The following is an entry in ClinVar:

NM_000219.6(KCNE1):c.250T>A (p.Ser84Thr)

Gene: KCNE1 (potassium voltage-gated channel subfamily E regulatory subunit 1; minus strand). Cytogenetic location: 21q22.12.
Variant type: single nucleotide variant.
Coding change: c.250T>A on transcript NM_000219.6 (MANE Select); coding-DNA position 250, T replaced by A.
Protein change: p.Ser84Thr; replaces serine 84 with threonine.
Molecular consequence: missense variant.
Genome position (GRCh38, 1-based): chr21:34,449,385, A>T on the plus strand (T>A on the coding strand, the complement: KCNE1 is on the minus strand). VCF-style: chr21-34449385-A-T. GRCh37 (hg19) VCF-style: chr21-35821683-A-T.
Other names: c.250T>A, p.Ser84Thr (NM_001127668.4, NM_001127669.4, NM_001127670.4 and 4 more transcripts); short protein forms S84T.
Identifiers: ClinVar variation 3374437 (VCV003374437.2).

Conditions:
Long QT syndrome 5 (LQT5). Identifiers: Orphanet 101016, Orphanet 768, MedGen C1867904, MONDO:0013372, OMIM 613695.

Submission:

Roden Lab, Vanderbilt University Medical Center
No classification provided (evidence only). Condition: Long QT syndrome 5. Review status: no classification provided. Collection method: in vitro. Allele origin: not applicable. Functional consequence: Effect on ion channel function.
ClinVar note: "not provided" was previously submitted as the classification for the variant. However, the classification appeared to be based only on an observation of functional data so it was converted to no classification on 2025-07-30.